The following is an entry in ClinVar:

NM_006206.6(PDGFRA):c.1276G>A (p.Gly426Ser)

Gene: PDGFRA (platelet derived growth factor receptor alpha; plus strand). Cytogenetic location: 4q12.
Variant type: single nucleotide variant.
Coding change: c.1276G>A on transcript NM_006206.6 (MANE Select); coding-DNA position 1276, G replaced by A.
Protein change: p.Gly426Ser; replaces glycine 426 with serine.
Molecular consequence: missense variant.
Genome position (GRCh38, 1-based): chr4:54,272,432, G>A. VCF-style: chr4-54272432-G-A. GRCh37 (hg19) VCF-style: chr4-55138599-G-A.
Other names: c.1276G>A, p.Gly426Ser (NM_001347827.2, NM_001347829.2); c.1351G>A, p.Gly451Ser (NM_001347828.2); c.1315G>A, p.Gly439Ser (NM_001347830.2); short protein forms G451S, G426S, G439S.
Identifiers: ClinVar variation 3887340 (VCV003887340.1).

ClinVar aggregate classification (germline): Uncertain significance (1 of 4 stars; one submission).

Conditions:
Hereditary cancer-predisposing syndrome. Also called: Tumor predisposition; Neoplastic Syndromes, Hereditary; Hereditary Cancer Syndrome; Hereditary neoplastic syndrome. Identifiers: Orphanet 140162, MedGen C0027672, MeSH D009386, MONDO:0015356.

Submission:

Ambry Genetics
Classification: Uncertain significance for Hereditary cancer-predisposing syndrome. Last evaluated: 2024-12-14. Review status: criteria provided, single submitter. Criteria: Ambry Variant Classification Scheme 2023. Collection method: clinical testing. Allele origin: germline.
Comment: The p.G426S variant (also known as c.1276G>A), located in coding exon 8 of the PDGFRA gene, results from a G to A substitution at nucleotide position 1276. The glycine at codon 426 is replaced by serine, an amino acid with similar properties. This amino acid position is conserved. In addition, this alteration is predicted to be tolerated by in silico analysis. Based on the available evidence, the clinical significance of this variant remains unclear.